The following is an entry in ClinVar:

NM_203475.3(PORCN):c.374-15G>A

Gene: PORCN (porcupine O-acyltransferase; plus strand). Cytogenetic location: Xp11.23.
Variant type: single nucleotide variant.
Coding change: c.374-15G>A on transcript NM_203475.3 (MANE Select); 15 bases into the intron before coding-DNA position 374, G replaced by A.
Molecular consequence: intron variant.
Genome position (GRCh38, 1-based): chrX:48,512,311, G>A. VCF-style: chrX-48512311-G-A. GRCh37 (hg19) VCF-style: chrX-48370699-G-A.
Other names: c.161-15G>A (NM_001282167.2); c.374-15G>A (NM_203473.3, NM_022825.4, NM_203474.1).
Identifiers: ClinVar variation 2446474 (VCV002446474.1), dbSNP rs2519451876, ClinGen allele CA2580101038.
Genomic context (GRCh38, chrX:48,512,311, plus strand): 5'-TCACCTGGTGCACCTCCTCCTTGCCATGCTGATCTGCTCTCTGCCCATCCACTTGACCAT[G>A]GGCACCACACATAGGGGCACAGATGATTGTGGCCATGAAGGCAGTGTCTCTGGGCTTCGA-3'

ClinVar aggregate classification (germline): Uncertain significance (1 of 4 stars; one submission).

Submission:

GeneDx
Classification: Uncertain significance. Last evaluated: 2022-10-03. Review status: criteria provided, single submitter. Criteria: GeneDx Variant Classification Process June 2021. Collection method: clinical testing. Allele origin: germline. Affected: yes.
Comment: Not observed at significant frequency in large population cohorts (gnomAD); In silico analysis supports a deleterious effect on splicing; This variant is associated with the following publications: (PMID: 20854095, 19221286)